The following is an entry in ClinVar:

NM_000428.3(LTBP2):c.1978C>T (p.Arg660Cys)

Gene: LTBP2 (latent transforming growth factor beta binding protein 2; minus strand). Cytogenetic location: 14q24.3.
Variant type: single nucleotide variant.
Coding change: c.1978C>T on transcript NM_000428.3 (MANE Select); coding-DNA position 1978, C replaced by T.
Protein change: p.Arg660Cys; replaces arginine 660 with cysteine.
Molecular consequence: missense variant.
Genome position (GRCh38, 1-based): chr14:74,532,435, G>A on the plus strand (C>T on the coding strand, the complement: LTBP2 is on the minus strand). VCF-style: chr14-74532435-G-A. GRCh37 (hg19) VCF-style: chr14-74999138-G-A.
Other names: c.1978C>T (NM_000428.2); short protein forms R660C.
Identifiers: ClinVar variation 1401998 (VCV001401998.7), dbSNP rs199581688, ClinGen allele CA7269693.

ClinVar aggregate classification (germline): Uncertain significance. Review status: criteria provided, multiple submitters, no conflicts (2 of 4 stars). 3 submissions from 3 submitters: Uncertain significance (3). Last evaluated 2024-12-30.

Conditions:
LTBP2-related disorder. Also called: LTBP2-related disorders; LTBP2-related condition.
Inborn genetic diseases. Identifiers: MedGen C0950123, MeSH D030342.

Allele frequency attached by ClinVar (database versions not stated): ESP Exome Variant Server 0.00015.
gnomAD v4.1: 103 of 1,613,896 alleles (0.0064%); highest among the groups gnomAD compares: Non-Finnish European, 0.0075%; no homozygotes.

Submissions (3):

Ambry Genetics
Classification: Uncertain significance for Inborn genetic diseases. Last evaluated: 2024-12-30. Review status: criteria provided, single submitter. Criteria: Ambry Variant Classification Scheme 2023. Collection method: clinical testing. Allele origin: germline.

PreventionGenetics, part of Exact Sciences
Classification: Uncertain significance for LTBP2-related condition. Last evaluated: 2024-10-11. Review status: criteria provided, single submitter. Criteria: ACMG Guidelines, 2015. Collection method: clinical testing. Allele origin: germline.
Comment: The LTBP2 c.1978C>T variant is predicted to result in the amino acid substitution p.Arg660Cys. To our knowledge, this variant has not been reported in the literature. This variant is reported in 0.0080% of alleles in individuals of European (Finnish) descent in gnomAD. At this time, the clinical significance of this variant is uncertain due to the absence of conclusive functional and genetic evidence.

Labcorp Genetics (formerly Invitae), Labcorp
Classification: Uncertain significance. Last evaluated: 2021-09-17. Review status: criteria provided, single submitter. Criteria: Invitae Variant Classification Sherloc (09022015). Collection method: clinical testing. Allele origin: germline.
Comment: This sequence change replaces arginine with cysteine at codon 660 of the LTBP2 protein (p.Arg660Cys). The arginine residue is highly conserved and there is a large physicochemical difference between arginine and cysteine. This variant is present in population databases (rs199581688, ExAC 0.01%). This variant has not been reported in the literature in individuals affected with LTBP2-related conditions. Algorithms developed to predict the effect of missense changes on protein structure and function (SIFT, PolyPhen-2, Align-GVGD) all suggest that this variant is likely to be disruptive. In summary, the available evidence is currently insufficient to determine the role of this variant in disease. Therefore, it has been classified as a Variant of Uncertain Significance.